The following is an entry in ClinVar:

NM_000284.4(PDHA1):c.291+12G>A

Gene: PDHA1 (pyruvate dehydrogenase E1 subunit alpha 1; plus strand). Cytogenetic location: Xp22.12.
Variant type: single nucleotide variant.
Coding change: c.291+12G>A on transcript NM_000284.4 (MANE Select); 12 bases into the intron after coding-DNA position 291, G replaced by A.
Molecular consequence: intron variant.
Genome position (GRCh38, 1-based): chrX:19,350,122, G>A. VCF-style: chrX-19350122-G-A. GRCh37 (hg19) VCF-style: chrX-19368240-G-A.
Other names: c.405+12G>A (NM_001173454.2); c.291+12G>A (NM_001173455.2, NM_001173456.2).
Identifiers: ClinVar variation 914928 (VCV000914928.11), dbSNP rs755244308, ClinGen allele CA10363008.
Genomic context (GRCh38, chrX:19,350,122, plus strand): 5'-GTATAAACAGAAAATTATTCGTGGTTTCTGTCACTTGTGTGATGGTCAGGTGAGTGGTAG[G>A]TTTGTGGTGGAACTGTGTTATTTAGGTACTGAAGTATGGCTTGTACTTATTGGGCTTTAC-3'

ClinVar aggregate classification (germline): Benign. Review status: criteria provided, multiple submitters, no conflicts (2 of 4 stars). 2 submissions from 2 submitters: Benign (2). Last evaluated 2025-11-10.

Conditions:
Pyruvate dehydrogenase E1-alpha deficiency (PDHAD). Also called: Ataxia, intermittent, with pyruvate dehydrogenase, or decarboxylase, deficiency; ATAXIA, INTERMITTENT, WITH PYRUVATE DEHYDROGENASE DEFICIENCY; ATAXIA WITH LACTIC ACIDOSIS I; ATAXIA, INTERMITTENT, WITH ABNORMAL PYRUVATE METABOLISM. Identifiers: Orphanet 79243, MedGen C1839413, MONDO:0010717, OMIM 312170.

Allele frequency attached by ClinVar (database versions not stated): ExAC 0.00002; gnomAD exomes 0.00003 and 0.00011; gnomAD 0.00004; TOPMed 0.00007.
gnomAD v4.1: 30 of 1,167,209 alleles (0.0026%); highest among the groups gnomAD compares: Admixed American, 0.059%; no homozygotes.

Submissions (2):

Labcorp Genetics (formerly Invitae), Labcorp
Classification: Benign for Pyruvate dehydrogenase E1-alpha deficiency. Last evaluated: 2025-11-10. Review status: criteria provided, single submitter. Criteria: Invitae Variant Classification Sherloc (09022015). Collection method: clinical testing. Allele origin: germline.

Illumina Laboratory Services, Illumina
Classification: Benign for Pyruvate dehydrogenase E1-alpha deficiency. Last evaluated: 2018-01-13. Review status: criteria provided, single submitter. Criteria: ICSL Variant Classification Criteria 13 December 2019. Collection method: clinical testing. Allele origin: germline.
Comment: This variant was observed in the ICSL laboratory as part of a predisposition screen in an ostensibly healthy population. It had not been previously curated by ICSL or reported in the Human Gene Mutation Database (HGMD: prior to June 1st, 2018), and was therefore a candidate for classification through an automated scoring system. Utilizing variant allele frequency, disease prevalence and penetrance estimates, and inheritance mode, an automated score was calculated to assess if this variant is too frequent to cause the disease. Based on the score and internal cut-off values, a variant classified as benign is not then subjected to further curation. The score for this variant resulted in a classification of benign for this disease.